The following is an entry in ClinVar:

ClinVar aggregate classification (germline): Benign/Likely benign. Review status: criteria provided, multiple submitters, no conflicts (2 of 4 stars). 2 submissions from 2 submitters: Benign (1); Likely benign (1). Last evaluated 2026-02-02.

Conditions:
Neurodegeneration with brain iron accumulation 5 (NBIA5). Also called: STATIC ENCEPHALOPATHY OF CHILDHOOD WITH NEURODEGENERATION IN ADULTHOOD; Beta-propeller protein-associated neurodegeneration. Identifiers: Orphanet 329284, MedGen C3550973, MONDO:0010476, OMIM 300894.

Submissions (2):

Labcorp Genetics (formerly Invitae), Labcorp
Classification: Benign for Neurodegeneration with brain iron accumulation 5. Last evaluated: 2026-02-02. Review status: criteria provided, single submitter. Criteria: Invitae Variant Classification Sherloc (09022015). Collection method: clinical testing. Allele origin: germline.

GeneDx
Classification: Likely benign. Last evaluated: 2016-10-05. Review status: criteria provided, single submitter. Criteria: GeneDx Variant Classification (06012015). Collection method: clinical testing. Allele origin: germline. Affected: yes.
Comment: This variant is considered likely benign or benign based on one or more of the following criteria: it is a conservative change, it occurs at a poorly conserved position in the protein, it is predicted to be benign by multiple in silico algorithms, and/or has population frequency not consistent with disease.

NM_001029896.2(WDR45):c.827+12del

Gene: WDR45 (WD repeat domain 45; minus strand). Cytogenetic location: Xp11.23.
Variant type: Deletion.
Coding change: c.827+12del on transcript NM_001029896.2 (MANE Select); 12 bases into the intron after coding-DNA position 827, one base deleted (C; older notation c.827+12delC).
Molecular consequence: intron variant.
Genome position (GRCh38, 1-based): chrX:49,075,352, G deleted on the plus strand (C on the coding strand, the reverse complement: WDR45 is on the minus strand); the first of 5 consecutive G bases (chrX:49,075,352-49,075,356); deleting any one gives the same sequence. VCF-style (leftmost placement, unchanged base first): chrX-49075351-AG-A. GRCh37 (hg19) VCF-style: chrX-48933010-AG-A.
Other names: c.830+12delC (NM_007075.3); c.830+12del (NM_007075.4).
Identifiers: ClinVar variation 422370 (VCV000422370.8), dbSNP rs782023833, ClinGen allele CA10408464.